The following is an entry in ClinVar:

NC_000007.14:g.117680305A>C

Gene: CFTR (CF transmembrane conductance regulator; plus strand). Cytogenetic location: 7q31.2.
Variant type: single nucleotide variant.
Genome position: GRCh38 VCF-style: chr7-117680305-A-C. GRCh37 (hg19) VCF-style: chr7-117320359-A-C.
Identifiers: ClinVar variation 3058818 (VCV003058818.2), dbSNP rs115739236, ClinGen allele CA164969251.

ClinVar aggregate classification (germline): Likely benign (0 of 4 stars; one submission).

Conditions:
CFTR-related disorder (CFTR-RD). Also called: CFTR-related condition; CFTR-related disorders. Identifiers: MedGen C5924204, MONDO:7770004.

Allele frequency attached by ClinVar (database versions not stated): TOPMed 0.00082; gnomAD 0.00070; 1000 Genomes Project 0.00040; 1000 Genomes Project 30x 0.00062.

Submission:

PreventionGenetics, part of Exact Sciences
Classification: Likely benign for CFTR-related condition. Last evaluated: 2021-07-13. Review status: no assertion criteria provided. Collection method: clinical testing. Allele origin: germline.
Comment: This variant is classified as likely benign based on ACMG/AMP sequence variant interpretation guidelines (Richards et al. 2015 PMID: 25741868, with internal and published modifications).